The following continues an entry in ClinVar:

NM_002834.5(PTPN11):c.179G>C (p.Gly60Ala)

Gene: PTPN11. ClinVar aggregate classification (germline): Pathogenic. Pathogenic (18).

Submissions 11 to 20 of 20:

Victorian Clinical Genetics Services, Murdoch Childrens Research Institute
Classification: Pathogenic for Noonan syndrome 1. Last evaluated: 2021-05-06. Review status: criteria provided, single submitter. Criteria: ACMG Guidelines, 2015. Collection method: clinical testing. Allele origin: germline. Inheritance: Autosomal dominant inheritance. Affected: yes.
Comment: Based on the classification scheme VCGS_Germline_v1.3.4, this variant is classified as Pathogenic. Following criteria are met: 0103 - Both loss- and gain-of-function are known mechanisms of disease for this gene. Metachondromatosis (MIM#156250) and Noonan syndrome with multiple lentigines have been associated with loss of function variants, whereas Noonan syndrome 1 (MIM#163950) is caused by gain of function variants (PMIDs: 11992261, 21533187, 24935154). (I) 0107 - This gene is associated with autosomal dominant disease. (I) 0200 - Variant is predicted to result in a missense amino acid change from glycine to alanine (I) 0251 - This variant is heterozygous. (I) 0301 - Variant is absent from gnomAD (both v2 and v3). (SP) 0501 - Missense variant consistently predicted to be damaging by multiple in silico tools or highly conserved with a major amino acid change. (SP) 0602 - Variant is located in a hotspot region or cluster of pathogenic variants (Decipher). (SP) 0701 - Many other missense variants comparable to the one identified in this case have very strong previous evidence for pathogenicity. Many alternative missense changes have been reported in multiple individuals with Noonan syndrome 1 (ClinVar). (SP) 0801 - This variant has strong previous evidence of pathogenicity in unrelated individuals. It is one of the well reported pathogenic variants causes Noonan syndrome (ClinVar, PMID: 32164556). (SP) 1208 - Inheritance information for this variant is not currently available in this individual. (I) Legend: (SP) - Supporting pathogenic, (I) - Information, (SB) - Supporting benign

Genome Diagnostics Laboratory, The Hospital for Sick Children
Classification: Pathogenic for Noonan syndrome and Noonan-related syndrome. Last evaluated: 2016-12-12. Review status: criteria provided, single submitter. Criteria: ACMG Guidelines, 2015. Collection method: clinical testing. Allele origin: germline. Affected: yes.

Center for Human Genetics, Inc
Classification: Pathogenic for Noonan syndrome 1. Last evaluated: 2016-11-01. Review status: criteria provided, single submitter. Criteria: ACMG Guidelines, 2015. Collection method: clinical testing. Allele origin: germline. Affected: yes.

Center of Genomic medicine, Geneva, University Hospital of Geneva
Classification: Pathogenic for Noonan syndrome 1. Last evaluated: 2016-06-08. Review status: criteria provided, single submitter. Criteria: ACMG Guidelines, 2015. Collection method: clinical testing. Allele origin: de novo. Affected: yes.

Laboratory for Molecular Medicine, Mass General Brigham Personalized Medicine
Classification: Pathogenic for Noonan syndrome. Last evaluated: 2015-07-09. Review status: criteria provided, single submitter. Criteria: LMM Criteria. Collection method: clinical testing. Allele origin: germline. Observed: 5 variant alleles.
Comment: The p.Gly60Ala variant has been reported in >20 individuals with clinical featur es of Noonan syndrome (Tartaglia 2002, Binder 2005, Bertola 2006, Limal 2006, Ta rtaglia 2006, Roti 2006, Mutesa 2008, Noordam 2008, Jongmans 2011, Ross 2014, LM M unpublished data) but not identified in large population studies. This variant occurred de novo in at least one of the affected individuals (Roti 2006). In ad dition, this variant has been reported in two individuals with clinical features of Noonan syndrome and a central nervous system tumor (neuroblastoma, Mutesa 20 08; dysembryoplastic neuroepithelia tumor, Jongmans 2011) and as a somatic chang e in AML (Loh 2004). In summary, this variant meets our criteria to be classifie d as pathogenic for Noonan syndrome in an autosomal dominant manner based on its frequency in affected individuals, de novo occurrence, and absence from control s.

Genetic Testing Center for Deafness, Department of Otolaryngology Head & Neck Surgery, Institute of Otolaryngology, Chinese PLA General Hospital
Classification: Pathogenic for Noonan syndrome 1. Review status: criteria provided, single submitter. Criteria: ClinGen HL ACMG Specifications v1. Collection method: case-control. Allele origin: de novo. Affected: yes. Observed: 1 variant allele.

Juno Genomics, Hangzhou Juno Genomics, Inc
Classification: Pathogenic for Noonan syndrome 1. Review status: criteria provided, single submitter. Criteria: ACMG Guidelines, 2015. Collection method: clinical testing. Allele origin: germline. Affected: yes.
Comment: Missense variant in a gene that has a low rate of benign missense variation and where missense variants are a common mechanism of disease.;Multiple lines of computational evidence support a deleterious effect on the gene or gene product (conservation, evolutionary, splicing impact, etc).;Located in a mutational hot spot and/or critical and well-established functional domain (e.g. active site of an enzyme) without benign variation.;The prevalence of the variant in affected individuals is significantly increased compared to the prevalence in controls.;Assumed de novo, but without confirmation of paternity and maternity.;Novel missense change at an amino acid residue where a different missense change determined to be pathogenic has been seen before.

Neuberg Centre For Genomic Medicine, NCGM
Classification: Pathogenic for Noonan syndrome 1. Review status: criteria provided, single submitter. Criteria: ACMG Guidelines, 2015. Collection method: clinical testing. Allele origin: germline. Inheritance: Autosomal dominant inheritance. Affected: yes.
Comment: Experimental studies indicates that this variant is expected to disrupt PTPN11 function (Mutesa L, et al., 2008; Tartaglia M, et. al.,2002). For these reasons, the variant has been classified as Pathogenic

Genome Diagnostics Laboratory, University Medical Center Utrecht
Classification: Likely pathogenic. Review status: no assertion criteria provided. Collection method: clinical testing. Allele origin: germline. Affected: yes. Study: VKGL Data-share Consensus. Not counted in ClinVar's aggregate classification.

Joint Genome Diagnostic Labs from Nijmegen and Maastricht, Radboudumc and MUMC+
Classification: Pathogenic. Review status: no assertion criteria provided. Collection method: clinical testing. Allele origin: germline. Affected: yes. Study: VKGL Data-share Consensus. Not counted in ClinVar's aggregate classification.

Literature cited by the submitters: PubMed 11704759 (cited by Ambry Genetics); PubMed 11992261 (cited by 5 submitters); PubMed 16263833 (cited by Ambry Genetics and Laboratory for Molecular Medicine, Mass General Brigham Personalized Medicine); PubMed 16358218 (cited by 3 submitters); PubMed 16643459 (cited by 3 submitters); PubMed 17020470 (cited by 4 submitters); PubMed 18328949 (cited by 4 submitters); PubMed 21407260 (cited by Ambry Genetics and Laboratory for Molecular Medicine, Mass General Brigham Personalized Medicine); PubMed 22465605 (cited by Ambry Genetics); PubMed 24037001 (cited by Ambry Genetics); PubMed 25039348 (cited by Ambry Genetics); PubMed 26817465 (cited by Ambry Genetics and Labcorp Genetics (formerly Invitae), Labcorp); PubMed 24039098 (cited by Labcorp Genetics (formerly Invitae), Labcorp and Laboratory for Molecular Medicine, Mass General Brigham Personalized Medicine); PubMed 15385933 (cited by Women's Health and Genetics/Laboratory Corporation of America, LabCorp); PubMed 14644997 (cited by Women's Health and Genetics/Laboratory Corporation of America, LabCorp and Laboratory for Molecular Medicine, Mass General Brigham Personalized Medicine); PubMed 12717436 (cited by Women's Health and Genetics/Laboratory Corporation of America, LabCorp); PubMed 17546245 (cited by Women's Health and Genetics/Laboratory Corporation of America, LabCorp and Laboratory for Molecular Medicine, Mass General Brigham Personalized Medicine); PubMed 25097206 (cited by Women's Health and Genetics/Laboratory Corporation of America, LabCorp); PubMed 19047918 (cited by Women's Health and Genetics/Laboratory Corporation of America, LabCorp); PubMed 19179468 (cited by Women's Health and Genetics/Laboratory Corporation of America, LabCorp); PubMed 17972951 (cited by Women's Health and Genetics/Laboratory Corporation of America, LabCorp); PubMed 15710330 (cited by Women's Health and Genetics/Laboratory Corporation of America, LabCorp); PubMed 25395418 (cited by Women's Health and Genetics/Laboratory Corporation of America, LabCorp); PubMed 27276561 (cited by Women's Health and Genetics/Laboratory Corporation of America, LabCorp); PubMed 32561839 (cited by Women's Health and Genetics/Laboratory Corporation of America, LabCorp); PubMed 29493581 (cited by 3billion); PubMed 21533187 (cited by Victorian Clinical Genetics Services, Murdoch Childrens Research Institute); PubMed 24935154 (cited by Victorian Clinical Genetics Services, Murdoch Childrens Research Institute); PubMed 32164556 (cited by Victorian Clinical Genetics Services, Murdoch Childrens Research Institute); PubMed 15928039 (cited by Laboratory for Molecular Medicine, Mass General Brigham Personalized Medicine); PubMed 17053061 (cited by Laboratory for Molecular Medicine, Mass General Brigham Personalized Medicine); PubMed 18562489 (cited by Laboratory for Molecular Medicine, Mass General Brigham Personalized Medicine); PubMed 15985475 (cited by Laboratory for Molecular Medicine, Mass General Brigham Personalized Medicine).